The following is an entry in ClinVar:

NM_004082.5(DCTN1):c.394-10C>A

Gene: DCTN1 (dynactin subunit 1; minus strand). Cytogenetic location: 2p13.1.
Variant type: single nucleotide variant.
Coding change: c.394-10C>A on transcript NM_004082.5 (MANE Select); 10 bases into the intron before coding-DNA position 394, C replaced by A.
Molecular consequence: intron variant.
Genome position (GRCh38, 1-based): chr2:74,376,772, G>T on the plus strand (C>A on the coding strand, the complement: DCTN1 is on the minus strand). VCF-style: chr2-74376772-G-T. GRCh37 (hg19) VCF-style: chr2-74603899-G-T.
Other names: c.342+660C>A (NM_001190836.2); c.343-10C>A (NM_001378992.1, NM_001378991.1); c.393+660C>A (NM_001135040.3, NM_001190837.2).
Identifiers: ClinVar variation 855051 (VCV000855051.11), dbSNP rs541163314, ClinGen allele CA1722492.

ClinVar aggregate classification (germline): Likely benign. Review status: criteria provided, multiple submitters, no conflicts (2 of 4 stars). 3 submissions from 3 submitters: Likely benign (3). Last evaluated 2025-09-16.

Conditions:
DCTN1-related disorder. Also called: DCTN1-related condition.
Amyotrophic lateral sclerosis type 1 (ALS1). Also called: AMYOTROPHIC LATERAL SCLEROSIS 1, FAMILIAL. Identifiers: Orphanet 803, MedGen C1862939, MONDO:0007103, OMIM 105400.
Perry syndrome. Also called: PARKINSONISM WITH ALVEOLAR HYPOVENTILATION AND MENTAL DEPRESSION. Identifiers: Orphanet 178509, MedGen C1868594, MONDO:0008201, OMIM 168605.
Neuronopathy, distal hereditary motor, type 7B. Also called: Distal Hereditary Motor Neuronopathy Type 7B (dHMN7B); HMN VIIB; LOWER MOTOR NEURON DISEASE, DYNACTIN TYPE; NEURONOPATHY, DISTAL HEREDITARY MOTOR, AUTOSOMAL DOMINANT 14; NEURONOPATHY, DISTAL HEREDITARY MOTOR, HARDING TYPE VIIB; NEUROPATHY, DISTAL HEREDITARY MOTOR, HARDING TYPE VIIB. Identifiers: Orphanet 139589, MedGen C1843315, MONDO:0011879, OMIM 607641.

Allele frequency attached by ClinVar (database versions not stated): ExAC 0.00001; gnomAD 0.00006; TOPMed 0.00006; 1000 Genomes Project 30x 0.00016; 1000 Genomes Project 0.00020.
gnomAD v4.1: 40 of 1,602,754 alleles (0.0025%); highest among the groups gnomAD compares: African/African-American, 0.039%; no homozygotes.

Submissions (4):

PreventionGenetics, part of Exact Sciences
Classification: Likely benign for DCTN1-related condition. Last evaluated: 2025-09-16. Review status: criteria provided, single submitter. Criteria: ACMG Guidelines, 2015. Collection method: clinical testing. Allele origin: germline.
Comment: This variant is classified as likely benign based on ACMG/AMP sequence variant interpretation guidelines (Richards et al. 2015 PMID: 25741868, with internal and published modifications).

Labcorp Genetics (formerly Invitae), Labcorp
Classification: Likely benign for Amyotrophic lateral sclerosis type 1; Neuronopathy, distal hereditary motor, type 7B; Perry syndrome. Last evaluated: 2025-07-03. Review status: criteria provided, single submitter. Criteria: Invitae Variant Classification Sherloc (09022015). Collection method: clinical testing. Allele origin: germline.

Breakthrough Genomics
Classification: Likely benign. Review status: criteria provided, single submitter. Criteria: ACMG Guidelines, 2015. Collection method: not provided. Allele origin: germline. Inheritance: Autosomal recessive inheritance. Affected: yes.

Dr. Peter K. Rogan Lab, Western University
No classification provided (evidence only). Condition: Acute myeloid leukemia. Review status: no classification provided. Collection method: in vitro. Allele origin: not applicable. Functional consequence: retained intron. Not counted in ClinVar's aggregate classification.